The following is an entry in ClinVar:

ClinVar aggregate classification (germline): Likely benign. Review status: criteria provided, multiple submitters, no conflicts (2 of 4 stars). 4 submissions from 4 submitters: Likely benign (4). Last evaluated 2026-06-14.

Conditions:
KIF1A-related disorder. Also called: KIF1A-related disorders; KIF1A-related condition.
Inborn genetic diseases. Identifiers: MedGen C0950123, MeSH D030342.
Neuropathy, hereditary sensory, type 2C. Also called: Hereditary sensory and autonomic neuropathy type IIC; KIF1A-Related HSAN2 (HSAN2C). Identifiers: Orphanet 970, MedGen C3280168, MONDO:0013634, OMIM 614213.
Hereditary spastic paraplegia 30. Identifiers: Orphanet 101010, MedGen C5235139, MONDO:0012476.
Intellectual disability, autosomal dominant 9 (NESCAVS). Also called: KIF1A-Related Neurodevelopmental Disorder; NESCAV SYNDROME. Identifiers: Orphanet 662367, MedGen C5393830, MONDO:0013656, OMIM 614255.

Allele frequency attached by ClinVar (database versions not stated): gnomAD exomes 0.00004 and 0.00007; ESP Exome Variant Server 0.00009; 1000 Genomes Project 30x 0.00016; ExAC 0.00024; gnomAD 0.00029 and 0.00031; TOPMed 0.00040.
gnomAD v4.1: 96 of 1,549,948 alleles (0.0062%); highest among the groups gnomAD compares: African/African-American, 0.12%; no homozygotes.

Submissions (4):

PreventionGenetics, part of Exact Sciences
Classification: Likely benign for KIF1A-related condition. Last evaluated: 2026-06-14. Review status: criteria provided, single submitter. Criteria: ACMG Guidelines, 2015. Collection method: clinical testing. Allele origin: germline.
Comment: This variant is classified as likely benign based on ACMG/AMP sequence variant interpretation guidelines (Richards et al. 2015 PMID: 25741868, with internal and published modifications).

Labcorp Genetics (formerly Invitae), Labcorp
Classification: Likely benign for Hereditary spastic paraplegia 30; Neuropathy, hereditary sensory, type 2C; Intellectual disability, autosomal dominant 9. Last evaluated: 2025-12-15. Review status: criteria provided, single submitter. Criteria: Invitae Variant Classification Sherloc (09022015). Collection method: clinical testing. Allele origin: germline.

Ambry Genetics
Classification: Likely benign for Inborn genetic diseases. Last evaluated: 2016-06-01. Review status: criteria provided, single submitter. Criteria: Ambry Variant Classification Scheme 2023. Collection method: clinical testing. Allele origin: germline.

Breakthrough Genomics
Classification: Likely benign. Review status: criteria provided, single submitter. Criteria: ACMG Guidelines, 2015. Collection method: not provided. Allele origin: germline. Inheritance: Autosomal recessive inheritance. Affected: yes.

NM_001244008.2(KIF1A):c.4581C>T (p.Ser1527=)

Gene: KIF1A (kinesin family member 1A; minus strand). Cytogenetic location: 2q37.3.
Variant type: single nucleotide variant.
Coding change: c.4581C>T on transcript NM_001244008.2 (MANE Select); coding-DNA position 4581, C replaced by T.
Protein change: p.Ser1527=; no amino-acid change (serine 1527 retained).
Molecular consequence: synonymous variant.
Genome position (GRCh38, 1-based): chr2:240,722,540, G>A on the plus strand (C>T on the coding strand, the complement: KIF1A is on the minus strand). VCF-style: chr2-240722540-G-A. GRCh37 (hg19) VCF-style: chr2-241661957-G-A.
Other names: c.4581C>T (NM_001244008.1); c.4305C>T, p.Ser1435= (NM_001320705.2, NM_001379649.1); c.4332C>T, p.Ser1444= (NM_001330289.2); c.4380C>T, p.Ser1460= (NM_001330290.2, NM_001379648.1); c.4656C>T, p.Ser1552= (NM_001379631.1); c.4557C>T, p.Ser1519= (NM_001379632.1); c.4554C>T, p.Ser1518= (NM_001379633.1, NM_001379645.1); c.4407C>T, p.Ser1469= (NM_001379634.1); and 8 more.
Identifiers: ClinVar variation 464252 (VCV000464252.18), dbSNP rs373703367, ClinGen allele CA2207385.